The following is an entry in ClinVar:

ClinVar aggregate classification (germline): Uncertain significance (1 of 4 stars; one submission).

Submission:

GeneDx
Classification: Uncertain significance. Last evaluated: 2020-01-23. Review status: criteria provided, single submitter. Criteria: GeneDx Variant Classification Process June 2021. Collection method: clinical testing. Allele origin: germline. Affected: yes.
Comment: Not observed in large population cohorts (Lek et al., 2016); In silico analysis, which includes protein predictors and evolutionary conservation, supports that this variant does not alter protein structure/function; Has not been previously published as pathogenic or benign to our knowledge

NM_014727.3(KMT2B):c.838A>T (p.Arg280Trp)

Gene: KMT2B (lysine methyltransferase 2B; plus strand). Cytogenetic location: 19q13.12.
Variant type: single nucleotide variant.
Coding change: c.838A>T on transcript NM_014727.3 (MANE Select); coding-DNA position 838, A replaced by T.
Protein change: p.Arg280Trp; replaces arginine 280 with tryptophan.
Molecular consequence: missense variant.
Genome position (GRCh38, 1-based): chr19:35,720,185, A>T. VCF-style: chr19-35720185-A-T. GRCh37 (hg19) VCF-style: chr19-36211087-A-T.
Other names: short protein forms R280W.
Identifiers: ClinVar variation 1311845 (VCV001311845.2), dbSNP rs770392546, ClinGen allele CA405381773.